The following is an entry in ClinVar:

NM_004100.5(EYA4):c.371-2A>C

Gene: EYA4 (EYA transcriptional coactivator and phosphatase 4; plus strand). Cytogenetic location: 6q23.2.
Variant type: single nucleotide variant.
Coding change: c.371-2A>C on transcript NM_004100.5 (MANE Select); the canonical splice acceptor site of the intron before coding-DNA position 371, A replaced by C.
Molecular consequence: splice acceptor variant.
Genome position (GRCh38, 1-based): chr6:133,461,112, A>C. VCF-style: chr6-133461112-A-C. GRCh37 (hg19) VCF-style: chr6-133782250-A-C.
Other names: c.371-2A>C (NM_001301013.2, NM_172105.4); c.302-2A>C (NM_001370458.1, NM_172103.4); c.209-2A>C (NM_001370459.1, NM_001301012.2).
Identifiers: ClinVar variation 228260 (VCV000228260.5), dbSNP rs876657644, ClinGen allele CA10576681.

ClinVar aggregate classification (germline): Likely pathogenic. Review status: criteria provided, multiple submitters, no conflicts (2 of 4 stars). 2 submissions from 2 submitters: Likely pathogenic (2). Last evaluated 2026-06-29.

Conditions:
Cardiovascular phenotype. Identifiers: MedGen CN230736.
Rare genetic deafness. Identifiers: Orphanet 96210, MedGen C5680250.

Submissions (2):

Ambry Genetics
Classification: Likely pathogenic for Cardiovascular phenotype. Last evaluated: 2026-06-29. Review status: criteria provided, single submitter. Criteria: Ambry Variant Classification Scheme 2023. Collection method: clinical testing. Allele origin: germline.
Comment: The c.371-2A>C intronic variant consists of a A to C substitution two nucleotide(s) before exon 7 (coding exon 6) of the EYA4 gene. Variants that disrupt the canonical splice site are expected to cause aberrant splicing, resulting in an abnormal protein or a transcript that is subject to nonsense-mediated mRNA decay. This variant was not reported in population-based cohorts in the Genome Aggregation Database (gnomAD). This nucleotide position is highly conserved in available vertebrate species. In silico splice site analysis predicts that this alteration will weaken the native splice acceptor site. Based on the available evidence, this alteration is classified as likely pathogenic.

Laboratory for Molecular Medicine, Mass General Brigham Personalized Medicine
Classification: Likely pathogenic for Rare genetic deafness. Last evaluated: 2015-05-21. Review status: criteria provided, single submitter. Criteria: LMM Criteria. Collection method: clinical testing. Allele origin: germline. Inheritance: Autosomal dominant inheritance. Observed: 1 variant allele.
Comment: The c.371-2A>C variant in EYA4 has not been previously reported in individuals w ith hearing loss or in large population studies. This variant occurs in the inva riant region (+/- 1,2) of the splice consensus sequence and is predicted to caus e altered splicing leading to an abnormal or absent protein. In summary, althoug h additional studies are required to fully establish its clinical significance, the c.371-2A>C variant is likely pathogenic.